The following is an entry in ClinVar:

NM_000488.4(SERPINC1):c.473T>C (p.Leu158Pro)

Gene: SERPINC1 (serpin family C member 1; minus strand). Cytogenetic location: 1q25.1.
Variant type: single nucleotide variant.
Coding change: c.473T>C on transcript NM_000488.4 (MANE Select); coding-DNA position 473, T replaced by C.
Protein change: p.Leu158Pro; replaces leucine 158 with proline.
Molecular consequence: missense variant. On other transcripts: intron variant (1).
Genome position (GRCh38, 1-based): chr1:173,911,950, A>G on the plus strand (T>C on the coding strand, the complement: SERPINC1 is on the minus strand). VCF-style: chr1-173911950-A-G. GRCh37 (hg19) VCF-style: chr1-173881088-A-G.
Other names: c.329T>C, p.Leu110Pro (NM_001365052.2); c.473T>C, p.Leu158Pro (NM_001386302.1, NM_001386304.1, NM_001386305.1); c.554T>C, p.Leu185Pro (NM_001386303.1); c.409-1059T>C (NM_001386306.1); short protein forms L110P, L158P, L185P.
Identifiers: ClinVar variation 1684314 (VCV001684314.1), dbSNP rs2102786101, ClinGen allele CA343776693.

ClinVar aggregate classification (germline): Likely pathogenic (0 of 4 stars; one submission).

Conditions:
Hereditary antithrombin deficiency (AT3D). Also called: Thrombophilia due to antithrombin III deficiency; Antithrombin III deficiency; Reduced antithrombin III activity; Antithrombin deficiency. Identifiers: Orphanet 82, MedGen C0272375, MONDO:0013144, OMIM 613118, HP:0001976.

Submission:

ISTH-SSC Genomics in Thrombosis and Hemostasis, KU Leuven, Center for Molecular and Vascular Biology
Classification: Likely pathogenic for Hereditary antithrombin deficiency. Review status: no assertion criteria provided. Collection method: research. Allele origin: unknown. Affected: yes.
Comment: Submitted to GoldVariant by Dr Karyn Mégy from NIHR Bioresource - Cambridge University, UK